The following is an entry in ClinVar:

NM_015046.7(SETX):c.7735G>T (p.Val2579Phe)

Gene: SETX (senataxin; minus strand). Cytogenetic location: 9q34.13.
Variant type: single nucleotide variant.
Coding change: c.7735G>T on transcript NM_015046.7 (MANE Select); coding-DNA position 7735, G replaced by T.
Protein change: p.Val2579Phe; replaces valine 2579 with phenylalanine.
Molecular consequence: missense variant.
Genome position (GRCh38, 1-based): chr9:132,264,538, C>A on the plus strand (G>T on the coding strand, the complement: SETX is on the minus strand). VCF-style: chr9-132264538-C-A. GRCh37 (hg19) VCF-style: chr9-135139925-C-A.
Other names: c.7735G>T (NM_015046.5); c.7735G>T, p.Val2579Phe (NM_001351527.2); c.7822G>T, p.Val2608Phe (NM_001351528.2); short protein forms V2579F, V2608F.
Identifiers: ClinVar variation 1163905 (VCV001163905.16), dbSNP rs144121978, ClinGen allele CA5296344.

ClinVar aggregate classification (germline): Conflicting classifications of pathogenicity. Review status: criteria provided, conflicting classifications (1 of 4 stars). 4 submissions from 4 submitters: Uncertain significance (3); Benign (1). Last evaluated 2023-04-03.

Conditions:
Inborn genetic diseases. Identifiers: MedGen C0950123, MeSH D030342.
Amyotrophic lateral sclerosis type 4 (ALS4). Also called: NEURONOPATHY, DISTAL HEREDITARY MOTOR, WITH PYRAMIDAL FEATURES; AMYOTROPHIC LATERAL SCLEROSIS 4, JUVENILE. Identifiers: Orphanet 357043, MedGen C1865409, MONDO:0011223, OMIM 602433.
Spinocerebellar ataxia, autosomal recessive, with axonal neuropathy 2 (SCAN2). Also called: Ataxia with Oculomotor Apraxia; ATAXIA-OCULOMOTOR APRAXIA 2; Ataxia with Oculomotor Apraxia Type 2; Ataxia-ocular apraxia-2. Identifiers: Orphanet 64753, MedGen C1853761, MONDO:0018996, OMIM 606002.

Allele frequency attached by ClinVar (database versions not stated): ESP Exome Variant Server 0.00023.
gnomAD v4.1: 32 of 1,613,872 alleles (0.002%); highest among the groups gnomAD compares: African/African-American, 0.036%; no homozygotes.

Submissions (4):

Ambry Genetics
Classification: Uncertain significance for Inborn genetic diseases. Last evaluated: 2023-04-03. Review status: criteria provided, single submitter. Criteria: Ambry Variant Classification Scheme 2023. Collection method: clinical testing. Allele origin: germline.
Comment: Unlikely to be causative of SETX-related juvenile amyotrophic lateral sclerosis (AD) Based on insufficient or conflicting evidence, the clinical significance of this alteration remains unclear.

Labcorp Genetics (formerly Invitae), Labcorp
Classification: Benign for Amyotrophic lateral sclerosis type 4; Spinocerebellar ataxia, autosomal recessive, with axonal neuropathy 2. Last evaluated: 2022-10-17. Review status: criteria provided, single submitter. Criteria: Invitae Variant Classification Sherloc (09022015). Collection method: clinical testing. Allele origin: germline.

Revvity Omics, Revvity
Classification: Uncertain significance. Last evaluated: 2021-09-01. Review status: criteria provided, single submitter. Criteria: ACMG Guidelines, 2015. Collection method: clinical testing. Allele origin: germline.

Mayo Clinic Laboratories, Mayo Clinic
Classification: Uncertain significance. Last evaluated: 2019-11-18. Review status: criteria provided, single submitter. Criteria: ACMG Guidelines, 2015. Collection method: clinical testing. Allele origin: germline. Observed: 1 variant allele.